The following is an entry in ClinVar:

ClinVar aggregate classification (germline): Likely pathogenic (1 of 4 stars; one submission).

Conditions:
X-linked immunodeficiency with magnesium defect, Epstein-Barr virus infection and neoplasia. Identifiers: Orphanet 317476, MedGen C3275445, MONDO:0010455, OMIM 300853.

Submission:

Labcorp Genetics (formerly Invitae), Labcorp
Classification: Likely pathogenic for X-linked immunodeficiency with magnesium defect, Epstein-Barr virus infection and neoplasia. Last evaluated: 2018-09-11. Review status: criteria provided, single submitter. Criteria: Invitae Variant Classification Sherloc (09022015). Collection method: clinical testing. Allele origin: germline.
Comment: Donor and acceptor splice site variants typically lead to a loss of protein function (PMID: 16199547), and loss-of-function variants in MAGT1 are known to be pathogenic (PMID: 24550228). This variant has not been reported in the literature in individuals with MAGT1-related disease. This variant is not present in population databases (ExAC no frequency). This sequence change affects an acceptor splice site in intron 8 of the MAGT1 gene. It is expected to disrupt RNA splicing and likely results in an absent or disrupted protein product. In summary, the currently available evidence indicates that the variant is pathogenic, but additional data are needed to prove that conclusively. Therefore, this variant has been classified as Likely Pathogenic.

Literature cited by the submitters: PubMed 16199547; PubMed 24550228.

NM_001367916.1(MAGT1):c.827-1_838del

Gene: MAGT1 (magnesium transporter 1; minus strand). Cytogenetic location: Xq21.1.
Variant type: Deletion.
Coding change: c.827-1_838del on transcript NM_001367916.1 (MANE Select); the canonical splice acceptor site of the intron before coding-DNA position 827 through coding-DNA position 838, 13 bases deleted (GATGGTGGAGTTA).
Molecular consequence: splice acceptor variant.
Genome position (GRCh38, 1-based): chrX:77,841,309-77,841,321, TAACTCCACCATC deleted on the plus strand (GATGGTGGAGTTA on the coding strand, the reverse complement: MAGT1 is on the minus strand); deleting any 13 consecutive bases within chrX:77,841,309-77,841,324 gives the same sequence; the c. name uses the placement nearest the transcript's 3' end. VCF-style (leftmost placement, unchanged base first): chrX-77841308-GTAACTCCACCATC-G. GRCh37 (hg19) VCF-style: chrX-77096805-GTAACTCCACCATC-G.
Other names: c.923-1_934del (LRG_353t1, NM_032121.5); c.923-1_934delGATGGTGGAGTTA (NM_032121.5).
Identifiers: ClinVar variation 657752 (VCV000657752.6), dbSNP rs1603359848, ClinGen allele CA915951242.